The following is an entry in ClinVar:

NM_002755.4(MAP2K1):c.1068+18G>A

Genes: MAP2K1 (mitogen-activated protein kinase kinase 1; plus strand), SNAPC5 (small nuclear RNA activating complex polypeptide 5; minus strand). Cytogenetic location: 15q22.31.
Variant type: single nucleotide variant.
Coding change: c.1068+18G>A on transcript NM_002755.4 (MANE Select); 18 bases into the intron after coding-DNA position 1068, G replaced by A.
Molecular consequence: intron variant. On other transcripts: 3 prime UTR variant (1), non-coding transcript variant (1).
Genome position (GRCh38, 1-based): chr15:66,489,781, G>A. VCF-style: chr15-66489781-G-A. GRCh37 (hg19) VCF-style: chr15-66782119-G-A.
Other names: c.*958C>T (NM_006049.4); c.924+18G>A (NM_001411065.1).
Identifiers: ClinVar variation 378102 (VCV000378102.18), dbSNP rs369137482, ClinGen allele CA7624104.
Genomic context (GRCh38, chr15:66,489,781, plus strand): 5'-AATAAAAAACCCCGCAGAGAGAGCAGATTTGAAGCAACTCATGGTGAGTCTATTTATTCC[G>A]GATTCTTACAGTACCTGTTTATTCATTTGTTCTTCTCTGTCAGTCATCTGTGCAGTACTT-3'

ClinVar aggregate classification (germline): Conflicting classifications of pathogenicity. Review status: criteria provided, conflicting classifications (1 of 4 stars). 5 submissions from 5 submitters: Uncertain significance (1); Benign (1); Likely benign (3). Last evaluated 2025-12-19.

Conditions:
RASopathy. Also called: rasopathies; Noonan spectrum disorder. Identifiers: Orphanet 536391, MedGen C5555857, MONDO:0021060.

Allele frequency attached by ClinVar (database versions not stated): gnomAD exomes 0.00007 and 0.00008; ExAC 0.00011; gnomAD 0.00007; ESP Exome Variant Server 0.00015; TOPMed 0.00010.
gnomAD v4.1: 117 of 1,605,192 alleles (0.0073%); highest among the groups gnomAD compares: Middle Eastern, 0.016%; no homozygotes.

Submissions (5):

Labcorp Genetics (formerly Invitae), Labcorp
Classification: Likely benign for RASopathy. Last evaluated: 2025-12-19. Review status: criteria provided, single submitter. Criteria: Invitae Variant Classification Sherloc (09022015). Collection method: clinical testing. Allele origin: germline.

Women's Health and Genetics/Laboratory Corporation of America, LabCorp
Classification: Benign. Last evaluated: 2022-12-17. Review status: criteria provided, single submitter. Criteria: LabCorp Variant Classification Summary - May 2015. Collection method: clinical testing. Allele origin: germline.

ARUP Laboratories, Molecular Genetics and Genomics, ARUP Laboratories
Classification: Likely benign. Last evaluated: 2022-05-10. Review status: criteria provided, single submitter. Criteria: ARUP Molecular Germline Variant Investigation Process 2021. Collection method: clinical testing. Allele origin: germline.

Mayo Clinic Laboratories, Mayo Clinic
Classification: Uncertain significance. Last evaluated: 2019-06-04. Review status: criteria provided, single submitter. Criteria: ACMG Guidelines, 2015. Collection method: clinical testing. Allele origin: germline. Observed: 1 variant allele.

GeneDx
Classification: Likely benign. Last evaluated: 2017-06-02. Review status: criteria provided, single submitter. Criteria: GeneDx Variant Classification (06012015). Collection method: clinical testing. Allele origin: germline. Affected: yes.
Comment: This variant is considered likely benign or benign based on one or more of the following criteria: it is a conservative change, it occurs at a poorly conserved position in the protein, it is predicted to be benign by multiple in silico algorithms, and/or has population frequency not consistent with disease.